The following is an entry in ClinVar:

NM_000535.7(PMS2):c.1733G>T (p.Arg578Leu)

Gene: PMS2 (PMS1 homolog 2, mismatch repair system component; minus strand). Cytogenetic location: 7p22.1.
Variant type: single nucleotide variant.
Coding change: c.1733G>T on transcript NM_000535.7 (MANE Select); coding-DNA position 1733, G replaced by T.
Protein change: p.Arg578Leu; replaces arginine 578 with leucine.
Molecular consequence: missense variant. On other transcripts: non-coding transcript variant (1).
Genome position (GRCh38, 1-based): chr7:5,987,032, C>A on the plus strand (G>T on the coding strand, the complement: PMS2 is on the minus strand). VCF-style: chr7-5987032-C-A. GRCh37 (hg19) VCF-style: chr7-6026663-C-A.
Other names: c.1328G>T, p.Arg443Leu (NM_001322003.2, NM_001322004.2, NM_001322005.2 and 1 more transcripts); c.1577G>T, p.Arg526Leu (NM_001322006.2); c.1415G>T, p.Arg472Leu (NM_001322007.2, NM_001322008.2); c.1172G>T, p.Arg391Leu (NM_001322010.2); c.800G>T, p.Arg267Leu (NM_001322011.2, NM_001322012.2); c.1160G>T, p.Arg387Leu (NM_001322013.2); c.1733G>T, p.Arg578Leu (NM_001322014.2); c.1424G>T, p.Arg475Leu (NM_001322015.2); short protein forms R578L, R391L, R475L, R267L, R443L, R387L, R472L, R526L.
Identifiers: ClinVar variation 421090 (VCV000421090.12), dbSNP rs63750770, ClinGen allele CA16618500.
Genomic context (GRCh38, chr7:5,987,032, plus strand): 5'-TGAGTATTTACTAACTTTTGACAAATGTCAGAACTGGAAAGAATTTCTTCTTTTTTAAAA[C>A]GCTTTGTGTTTGGGGTTGCGAGATTAGTTGGCTGAGGCAAAACTCGAAATTTACATCCGG-3'
Protein context (NP_000526.2, residues 568-588): PTNLATPNTK[Arg578Leu]FKKEEILSSS

ClinVar aggregate classification (germline): Uncertain significance. Review status: criteria provided, multiple submitters, no conflicts (2 of 4 stars). 4 submissions from 4 submitters: Uncertain significance (4). Last evaluated 2025-08-04.

Conditions:
Hereditary nonpolyposis colorectal neoplasms. Identifiers: MedGen C0009405, MeSH D003123.
Hereditary cancer-predisposing syndrome. Also called: Hereditary neoplastic syndrome; Tumor predisposition; Neoplastic Syndromes, Hereditary; Hereditary Cancer Syndrome. Identifiers: Orphanet 140162, MedGen C0027672, MeSH D009386, MONDO:0015356.

Submissions (4):

Ambry Genetics
Classification: Uncertain significance for Hereditary cancer-predisposing syndrome. Last evaluated: 2025-08-04. Review status: criteria provided, single submitter. Criteria: Ambry Variant Classification Scheme 2023. Collection method: clinical testing. Allele origin: germline.
Comment: The p.R578L variant (also known as c.1733G>T), located in coding exon 11 of the PMS2 gene, results from a G to T substitution at nucleotide position 1733. The arginine at codon 578 is replaced by leucine, an amino acid with dissimilar properties. This amino acid position is not well conserved in available vertebrate species. In addition, this alteration is predicted to be tolerated by in silico analysis. Based on the available evidence, the clinical significance of this variant remains unclear.

Labcorp Genetics (formerly Invitae), Labcorp
Classification: Uncertain significance for Hereditary nonpolyposis colorectal neoplasms. Last evaluated: 2021-08-30. Review status: criteria provided, single submitter. Criteria: Invitae Variant Classification Sherloc (09022015). Collection method: clinical testing. Allele origin: germline.
Comment: This sequence change replaces arginine with leucine at codon 578 of the PMS2 protein (p.Arg578Leu). The arginine residue is moderately conserved and there is a moderate physicochemical difference between arginine and leucine. This variant is not present in population databases (ExAC no frequency). This variant has not been reported in the literature in individuals affected with PMS2-related conditions. ClinVar contains an entry for this variant (Variation ID: 421090). Algorithms developed to predict the effect of missense changes on protein structure and function (SIFT, PolyPhen-2, Align-GVGD) all suggest that this variant is likely to be tolerated. In summary, the available evidence is currently insufficient to determine the role of this variant in disease. Therefore, it has been classified as a Variant of Uncertain Significance.

Color Diagnostics, LLC DBA Color Health
Classification: Uncertain significance for Hereditary cancer-predisposing syndrome. Last evaluated: 2019-06-06. Review status: criteria provided, single submitter. Criteria: ACMG Guidelines, 2015. Collection method: clinical testing. Allele origin: germline.

GeneDx
Classification: Uncertain significance. Last evaluated: 2016-10-11. Review status: criteria provided, single submitter. Criteria: GeneDx Variant Classification (06012015). Collection method: clinical testing. Allele origin: germline. Affected: yes.
Comment: This variant is denoted PMS2 c.1733G>T at the cDNA level, p.Arg578Leu (R578L) at the protein level, and results in the change of an Arginine to a Leucine (CGT>CTT). This variant has not, to our knowledge, been reported as a germline pathogenic or benign variant; however, it has been reported by Balogh et al. (2006) as a somatic variant observed in breast tumors. PMS2 Arg578Leu was not observed in approximately 6,500 individuals of European and African American ancestry in the NHLBI Exome Sequencing Project, suggesting it is not a common benign variant in these populations. Since Arginine and Leucine differ in polarity, charge, size or other properties, this is considered a non-conservative amino acid substitution. PMS2 Arg578Leu occurs at a position that is not conserved and is not located in a known functional domain (Guarne 2001, Fukui 2011). In silico analyses predict that this variant is probably damaging to protein structure and function. Based on currently available evidence, it is unclear whether PMS2 Arg578Leu is a pathogenic or benign variant. We consider it to be a variant of uncertain significance.